The following is an entry in ClinVar:

ClinVar aggregate classification (germline): Uncertain significance. Review status: criteria provided, multiple submitters, no conflicts (2 of 4 stars). 2 submissions from 2 submitters: Uncertain significance (2). Last evaluated 2025-01-08.

Conditions:
Hereditary cancer-predisposing syndrome. Also called: Tumor predisposition; Neoplastic Syndromes, Hereditary; Hereditary Cancer Syndrome; Hereditary neoplastic syndrome. Identifiers: Orphanet 140162, MedGen C0027672, MeSH D009386, MONDO:0015356.
Neuroblastoma, susceptibility to, 3. Also called: ALK-Related Neuroblastic Tumor Susceptibility. Identifiers: Orphanet 635, MedGen C2751681, MONDO:0013083, OMIM 613014.

Submissions (2):

Ambry Genetics
Classification: Uncertain significance for Hereditary cancer-predisposing syndrome. Last evaluated: 2025-01-08. Review status: criteria provided, single submitter. Criteria: Ambry Variant Classification Scheme 2023. Collection method: clinical testing. Allele origin: germline.
Comment: The p.L655V variant (also known as c.1963C>G), located in coding exon 11 of the ALK gene, results from a C to G substitution at nucleotide position 1963. The leucine at codon 655 is replaced by valine, an amino acid with highly similar properties. This amino acid position is conserved. In addition, this alteration is predicted to be tolerated by in silico analysis. Since supporting evidence is limited at this time, the clinical significance of this alteration remains unclear.

Labcorp Genetics (formerly Invitae), Labcorp
Classification: Uncertain significance for Neuroblastoma, susceptibility to, 3. Last evaluated: 2024-07-19. Review status: criteria provided, single submitter. Criteria: Invitae Variant Classification Sherloc (09022015). Collection method: clinical testing. Allele origin: germline.
Comment: This sequence change replaces leucine, which is neutral and non-polar, with valine, which is neutral and non-polar, at codon 655 of the ALK protein (p.Leu655Val). This variant is not present in population databases (gnomAD no frequency). This variant has not been reported in the literature in individuals affected with ALK-related conditions. ClinVar contains an entry for this variant (Variation ID: 1783482). An algorithm developed to predict the effect of missense changes on protein structure and function (PolyPhen-2) suggests that this variant is likely to be disruptive. In summary, the available evidence is currently insufficient to determine the role of this variant in disease. Therefore, it has been classified as a Variant of Uncertain Significance.

NM_004304.5(ALK):c.1963C>G (p.Leu655Val)

Gene: ALK (ALK receptor tyrosine kinase; minus strand). Cytogenetic location: 2p23.2.
Variant type: single nucleotide variant.
Coding change: c.1963C>G on transcript NM_004304.5 (MANE Select); coding-DNA position 1963, C replaced by G.
Protein change: p.Leu655Val; replaces leucine 655 with valine.
Molecular consequence: missense variant.
Genome position (GRCh38, 1-based): chr2:29,275,177, G>C on the plus strand (C>G on the coding strand, the complement: ALK is on the minus strand). VCF-style: chr2-29275177-G-C. GRCh37 (hg19) VCF-style: chr2-29498043-G-C.
Other names: short protein forms L655V.
Identifiers: ClinVar variation 1783482 (VCV001783482.6), dbSNP rs572963793, ClinGen allele CA346479726.
Genomic context (GRCh38, chr2:29,275,177, plus strand): 5'-GGGTCTGTCTTGGTGAATTTTCCCCGGGTTTCAGCTCCTTGTTTGGGTTTCTCTCAAACA[G>C]GTTTCTTGATTTGGGTGCTGTATTCTGCAGGATCTTGTCCTCTCCGCTAACTGCAATAGA-3'
Protein context (NP_004295.2, residues 645-665): LQNTAPKSRN[Leu655Val]FERNPNKELK